The following is an entry in ClinVar:

ClinVar aggregate classification (germline): Uncertain significance (1 of 4 stars; one submission).

Submission:

Labcorp Genetics (formerly Invitae), Labcorp
Classification: Uncertain significance. Last evaluated: 2022-03-15. Review status: criteria provided, single submitter. Criteria: Invitae Variant Classification Sherloc (09022015). Collection method: clinical testing. Allele origin: germline.
Comment: This sequence change replaces isoleucine, which is neutral and non-polar, with valine, which is neutral and non-polar, at codon 2159 of the CDH23 protein (p.Ile2159Val). This variant is not present in population databases (gnomAD no frequency). This variant has not been reported in the literature in individuals affected with CDH23-related conditions. Algorithms developed to predict the effect of missense changes on protein structure and function output the following: SIFT: "Tolerated"; PolyPhen-2: "Not Available"; Align-GVGD: "Class C0". The valine amino acid residue is found in multiple mammalian species, which suggests that this missense change does not adversely affect protein function. In summary, the available evidence is currently insufficient to determine the role of this variant in disease. Therefore, it has been classified as a Variant of Uncertain Significance.

NM_022124.6(CDH23):c.6475A>G (p.Ile2159Val)

Gene: CDH23 (cadherin related 23; plus strand). Cytogenetic location: 10q22.1.
Variant type: single nucleotide variant.
Coding change: c.6475A>G on transcript NM_022124.6 (MANE Select); coding-DNA position 6475, A replaced by G.
Protein change: p.Ile2159Val; replaces isoleucine 2159 with valine.
Molecular consequence: missense variant.
Genome position (GRCh38, 1-based): chr10:71,793,403, A>G. VCF-style: chr10-71793403-A-G. GRCh37 (hg19) VCF-style: chr10-73553160-A-G.
Other names: short protein forms I2159V.
Identifiers: ClinVar variation 2182570 (VCV002182570.1), dbSNP rs2132953949, ClinGen allele CA377155143.